The following is an entry in ClinVar:

NM_181336.4(LEMD2):c.854-15dup

Gene: LEMD2 (LEM domain nuclear envelope protein 2; minus strand). Cytogenetic location: 6p21.31.
Variant type: Duplication.
Coding change: c.854-15dup on transcript NM_181336.4 (MANE Select); 15 bases into the intron before coding-DNA position 854, one base duplicated (T; older notation c.854-15dupT).
Molecular consequence: intron variant.
Genome position (GRCh38, 1-based): chr6:33,781,161, A duplicated on the plus strand (T on the coding strand, the reverse complement: LEMD2 is on the minus strand); the first of 8 consecutive A bases (chr6:33,781,161-33,781,168); duplicating any one gives the same sequence. VCF-style (leftmost placement, unchanged base first): chr6-33781160-G-GA. GRCh37 (hg19) VCF-style: chr6-33748937-G-GA.
Other names: c.854-8dupT (NM_181336.3); c.455-15dup (NM_001348710.2); c.-53-15dup (NM_001348709.2, NM_001143944.1).
Identifiers: ClinVar variation 1294825 (VCV001294825.11), dbSNP rs3833665, ClinGen allele CA3763202.
Genomic context (GRCh38, chr6:33,781,160, plus strand): 5'-TAACAGGAATGCATTTGCTTTTTAGATTCTCTGGATTTCCACACTCAAAATTACCTAGGA[G>GA]AAAAAAAACCACACATGCTCAAACACAAAGGAAAAATCACTCTGAAACAGACTAAAAAAT-3'

ClinVar aggregate classification (germline): Benign. Review status: criteria provided, multiple submitters, no conflicts (2 of 4 stars). 3 submissions from 3 submitters: Benign (2). 1 of the submissions does not count toward it. Last evaluated 2026-01-27.

Conditions:
LEMD2-related disorder. Also called: LEMD2-related condition.

Submissions (3):

Labcorp Genetics (formerly Invitae), Labcorp
Classification: Benign. Last evaluated: 2026-01-27. Review status: criteria provided, single submitter. Criteria: Invitae Variant Classification Sherloc (09022015). Collection method: clinical testing. Allele origin: germline.

GeneDx
Classification: Benign. Last evaluated: 2021-05-04. Review status: criteria provided, single submitter. Criteria: GeneDx Variant Classification Process June 2021. Collection method: clinical testing. Allele origin: germline. Affected: yes.

PreventionGenetics, part of Exact Sciences
Classification: Benign for LEMD2-related condition. Last evaluated: 2019-07-15. Review status: no assertion criteria provided. Collection method: clinical testing. Allele origin: germline. Not counted in ClinVar's aggregate classification.
Comment: This variant is classified as benign based on ACMG/AMP sequence variant interpretation guidelines (Richards et al. 2015 PMID: 25741868, with internal and published modifications).